The following is an entry in ClinVar:

ClinVar aggregate classification (germline): Likely pathogenic. Review status: criteria provided, multiple submitters, no conflicts (2 of 4 stars). 2 submissions from 2 submitters: Likely pathogenic (2). Last evaluated 2024-10-21.

Conditions:
Corticosterone methyl oxidase type II deficiency.

Allele frequency attached by ClinVar (database versions not stated): TOPMed 0.00002.
gnomAD v4.1: 1 of 1,614,092 alleles (0.000062%); no homozygotes.

Submissions (2):

Natera, Inc.
Classification: Likely pathogenic for Corticosterone methyl oxidase type II deficiency. Last evaluated: 2024-10-21. Review status: criteria provided, single submitter. Criteria: Natera Variant Classification Schema (03/2026). Collection method: clinical testing. Allele origin: germline.
Comment: The c.239+2T>C variant in CYP11B2 is a canonical splice donor site variant predicted to affect pre-mRNA splicing, which may result in an abnormal transcript and altered protein product. This variant is expected to result in nonsense mediated decay, truncation, or a dysfunctional protein product. This variant is rare in the general population with a frequency below the threshold expected for the associated phenotype(s). Given the available evidence, this variant is classified as Likely Pathogenic.

Labcorp Genetics (formerly Invitae), Labcorp
Classification: Likely pathogenic. Last evaluated: 2024-01-05. Review status: criteria provided, single submitter. Criteria: Invitae Variant Classification Sherloc (09022015). Collection method: clinical testing. Allele origin: germline.
Comment: This sequence change affects a donor splice site in intron 1 of the CYP11B2 gene. It is expected to disrupt RNA splicing. Variants that disrupt the donor or acceptor splice site typically lead to a loss of protein function (PMID: 16199547), and loss-of-function variants in CYP11B2 are known to be pathogenic (PMID: 20494601, 22801770, 26936515). This variant is not present in population databases (gnomAD no frequency). This variant has not been reported in the literature in individuals affected with CYP11B2-related conditions. Algorithms developed to predict the effect of sequence changes on RNA splicing suggest that this variant may disrupt the consensus splice site. In summary, the currently available evidence indicates that the variant is pathogenic, but additional data are needed to prove that conclusively. Therefore, this variant has been classified as Likely Pathogenic.

Literature cited by the submitters: PubMed 16199547 (cited by Labcorp Genetics (formerly Invitae), Labcorp); PubMed 20494601 (cited by Labcorp Genetics (formerly Invitae), Labcorp); PubMed 22801770 (cited by Labcorp Genetics (formerly Invitae), Labcorp); PubMed 26936515 (cited by Labcorp Genetics (formerly Invitae), Labcorp).

NM_000498.3(CYP11B2):c.239+2T>C

Genes: CYP11B2 (cytochrome P450 family 11 subfamily B member 2; minus strand), LOC106799834 (CYP11B2 recombination region; plus strand). Cytogenetic location: 8q24.3.
Variant type: single nucleotide variant.
Coding change: c.239+2T>C on transcript NM_000498.3 (MANE Select); the canonical splice donor site of the intron after coding-DNA position 239, T replaced by C.
Molecular consequence: splice donor variant.
Genome position (GRCh38, 1-based): chr8:142,917,600, A>G on the plus strand (T>C on the coding strand, the complement: CYP11B2 is on the minus strand). VCF-style: chr8-142917600-A-G. GRCh37 (hg19) VCF-style: chr8-143999016-A-G.
Identifiers: ClinVar variation 2961884 (VCV002961884.4), dbSNP rs1427477002, ClinGen allele CA372393258.